The following is an entry in ClinVar:

ClinVar aggregate classification (germline): Uncertain significance (1 of 4 stars; one submission).

gnomAD v4.1: 18 of 1,611,970 alleles (0.0011%); highest among the groups gnomAD compares: African/African-American, 0.0027%; no homozygotes.

Submission:

GeneDx
Classification: Uncertain significance. Last evaluated: 2025-05-27. Review status: criteria provided, single submitter. Criteria: GeneDx Variant Classification Process June 2021. Collection method: clinical testing. Allele origin: germline. Affected: yes.
Comment: In silico analysis supports that this missense variant has a deleterious effect on protein structure/function; Has not been previously published as pathogenic or benign to our knowledge

NM_001145809.2(MYH14):c.1228C>T (p.Arg410Cys)

Gene: MYH14 (myosin heavy chain 14; plus strand). Cytogenetic location: 19q13.33.
Variant type: single nucleotide variant.
Coding change: c.1228C>T on transcript NM_001145809.2 (MANE Select); coding-DNA position 1228, C replaced by T.
Protein change: p.Arg410Cys; replaces arginine 410 with cysteine.
Molecular consequence: missense variant.
Genome position (GRCh38, 1-based): chr19:50,247,021, C>T. VCF-style: chr19-50247021-C-T. GRCh37 (hg19) VCF-style: chr19-50750278-C-T.
Other names: c.1228C>T, p.Arg410Cys (NM_001077186.2); c.1204C>T, p.Arg402Cys (NM_024729.4); short protein forms R402C, R410C.
Identifiers: ClinVar variation 4532463 (VCV004532463.1).
Genomic context (GRCh38, chr19:50,247,021, plus strand): 5'-CTCTTCCCAGTGCTGATGGAATCTTGGTGCCTCTCGCCCTCAGCTGCACAGAAGCTCTGC[C>T]GCCTCTTGGGACTGGGGGTGACGGATTTCTCCCGAGCCTTGCTCACCCCTCGCATCAAAG-3'
Protein context (NP_001139281.1, residues 400-420): PDNTAAQKLC[Arg410Cys]LLGLGVTDFS